The following is an entry in ClinVar:

ClinVar aggregate classification (germline): Benign/Likely benign. Review status: criteria provided, multiple submitters, no conflicts (2 of 4 stars). 16 submissions from 15 submitters: Benign (12); Likely benign (2). 2 of the submissions do not count toward it. Last evaluated 2026-02-04.

Conditions:
Fibromuscular dysplasia, multifocal. Identifiers: MedGen C5543412, MONDO:0859151, OMIM 619329.
Ehlers-Danlos syndrome, classic type, 1 (EDSCL1). Also called: Ehlers-Danlos syndrome, type 1; Ehlers-Danlos Syndrome, Classic Type, COL5A1-Related; EDS I; EHLERS-DANLOS SYNDROME, GRAVIS TYPE; EHLERS-DANLOS SYNDROME, SEVERE CLASSIC TYPE. Identifiers: MedGen C0268335, MONDO:0019567, OMIM 130000.
Ehlers-Danlos syndrome (EDS). Identifiers: Orphanet 98249, MedGen C0013720, MONDO:0020066.
Familial thoracic aortic aneurysm and aortic dissection (TAAD). Also called: Thoracic aortic aneurysms and dissections. Identifiers: Orphanet 91387, MedGen C4707243, MONDO:0019625.

Allele frequency attached by ClinVar (database versions not stated): ESP Exome Variant Server 0.00008; TOPMed 0.00181; gnomAD 0.00192 and 0.00238; gnomAD exomes 0.00367; ExAC 0.00371; 1000 Genomes Project 30x 0.00671; 1000 Genomes Project 0.00739.
gnomAD v4.1: 2,756 of 1,613,802 alleles (0.17%); highest among the groups gnomAD compares: East Asian, 3.4%; 22 homozygotes.

Submissions (16):

Labcorp Genetics (formerly Invitae), Labcorp
Classification: Benign for Ehlers-Danlos syndrome, classic type, 1. Last evaluated: 2026-02-04. Review status: criteria provided, single submitter. Criteria: Invitae Variant Classification Sherloc (09022015). Collection method: clinical testing. Allele origin: germline.

ARUP Laboratories, Molecular Genetics and Genomics, ARUP Laboratories
Classification: Benign. Last evaluated: 2025-05-29. Review status: criteria provided, single submitter. Criteria: ARUP Molecular Germline Variant Investigation Process 2024. Collection method: clinical testing. Allele origin: germline.

Blueprint Genetics
Classification: Likely benign. Last evaluated: 2024-11-26. Review status: criteria provided, single submitter. Criteria: ACMG Guidelines, 2015. Collection method: clinical testing. Allele origin: germline.

CeGaT Center for Human Genetics Tuebingen
Classification: Benign. Last evaluated: 2024-03-01. Review status: criteria provided, single submitter. Criteria: CeGaT Center For Human Genetics Tuebingen Variant Classification Criteria Version 2. Collection method: clinical testing. Allele origin: germline. Affected: yes. Observed: 1 variant allele.
Comment: COL5A1: BS1, BS2

Women's Health and Genetics/Laboratory Corporation of America, LabCorp
Classification: Likely benign. Last evaluated: 2023-04-09. Review status: criteria provided, single submitter. Criteria: LabCorp Variant Classification Summary - May 2015. Collection method: clinical testing. Allele origin: germline.

Genome-Nilou Lab
Classification: Benign for Ehlers-Danlos syndrome, classic type, 1. Last evaluated: 2022-03-15. Review status: criteria provided, single submitter. Criteria: ACMG Guidelines, 2015. Collection method: clinical testing. Allele origin: germline. Affected: no.

Genome-Nilou Lab
Classification: Benign for Fibromuscular dysplasia, multifocal. Last evaluated: 2022-03-15. Review status: criteria provided, single submitter. Criteria: ACMG Guidelines, 2015. Collection method: clinical testing. Allele origin: germline. Affected: no.

Fulgent Genetics
Classification: Benign for Ehlers-Danlos syndrome, classic type, 1; Fibromuscular dysplasia, multifocal. Last evaluated: 2021-11-11. Review status: criteria provided, single submitter. Criteria: ACMG Guidelines, 2015. Collection method: clinical testing. Allele origin: unknown.

Genome Diagnostics Laboratory, The Hospital for Sick Children
Classification: Benign for Ehlers-Danlos syndrome. Last evaluated: 2021-10-19. Review status: criteria provided, single submitter. Criteria: ACMG Guidelines, 2015. Collection method: clinical testing. Allele origin: germline.

Mayo Clinic Laboratories, Mayo Clinic
Classification: Benign. Last evaluated: 2021-01-18. Review status: criteria provided, single submitter. Criteria: ACMG Guidelines, 2015. Collection method: clinical testing. Allele origin: germline. Observed: 7 variant alleles.

Ambry Genetics
Classification: Benign for Familial thoracic aortic aneurysm and aortic dissection. Last evaluated: 2016-12-20. Review status: criteria provided, single submitter. Criteria: Ambry Variant Classification Scheme 2023. Collection method: clinical testing. Allele origin: germline.

Eurofins Ntd Llc (ga)
Classification: Benign. Last evaluated: 2015-10-14. Review status: criteria provided, single submitter. Criteria: EGL Classification Definitions 2015. Collection method: clinical testing. Allele origin: germline. Observed: 1 variant allele, 1 heterozygote.

GeneDx
Classification: Benign. Last evaluated: 2014-03-06. Review status: criteria provided, single submitter. Criteria: GeneDx Variant Classification (06012015). Collection method: clinical testing. Allele origin: germline. Affected: yes.
Comment: This variant is considered likely benign or benign based on one or more of the following criteria: it is a conservative change, it occurs at a poorly conserved position in the protein, it is predicted to be benign by multiple in silico algorithms, and/or has population frequency not consistent with disease.

PreventionGenetics, part of Exact Sciences
Classification: Benign. Review status: criteria provided, single submitter. Criteria: ACMG Guidelines, 2015. Collection method: clinical testing. Allele origin: germline.

Genome Diagnostics Laboratory, Amsterdam University Medical Center
Classification: Benign. Review status: no assertion criteria provided. Collection method: clinical testing. Allele origin: germline. Affected: yes. Study: VKGL Data-share Consensus. Not counted in ClinVar's aggregate classification.

Genome Diagnostics Laboratory, University Medical Center Utrecht
Classification: Benign. Review status: no assertion criteria provided. Collection method: clinical testing. Allele origin: germline. Affected: yes. Study: VKGL Data-share Consensus. Not counted in ClinVar's aggregate classification.

NM_000093.5(COL5A1):c.378G>T (p.Gln126His)

Gene: COL5A1 (collagen type V alpha 1 chain; plus strand). Cytogenetic location: 9q34.3.
Variant type: single nucleotide variant.
Coding change: c.378G>T on transcript NM_000093.5 (MANE Select); coding-DNA position 378, G replaced by T.
Protein change: p.Gln126His; replaces glutamine 126 with histidine.
Molecular consequence: missense variant.
Genome position (GRCh38, 1-based): chr9:134,700,009, G>T. VCF-style: chr9-134700009-G-T. GRCh37 (hg19) VCF-style: chr9-137591855-G-T.
Other names: p.Q126H:CAG>CAT; p.Gln126His; c.378G>T, p.Gln126His (NM_001278074.1); short protein forms Q126H.
Identifiers: ClinVar variation 136918 (VCV000136918.54), dbSNP rs145178917, ClinGen allele CA290330.